The following is an entry in ClinVar:

NM_016169.4(SUFU):c.1183T>G (p.Phe395Val)

Gene: SUFU (SUFU negative regulator of hedgehog signaling; plus strand). Cytogenetic location: 10q24.32.
Variant type: single nucleotide variant.
Coding change: c.1183T>G on transcript NM_016169.4 (MANE Select); coding-DNA position 1183, T replaced by G.
Protein change: p.Phe395Val; replaces phenylalanine 395 with valine.
Molecular consequence: missense variant.
Genome position (GRCh38, 1-based): chr10:102,617,315, T>G. VCF-style: chr10-102617315-T-G. GRCh37 (hg19) VCF-style: chr10-104377072-T-G.
Other names: c.1183T>G, p.Phe395Val (NM_001178133.2); short protein forms F395V.
Identifiers: ClinVar variation 2953733 (VCV002953733.3), dbSNP rs2492789575, ClinGen allele CA377915210.

ClinVar aggregate classification (germline): Uncertain significance (1 of 4 stars; one submission).

Conditions:
Medulloblastoma (MDB). Also called: MEDULLOBLASTOMA PREDISPOSITION SYNDROME; Medulloblastoma, somatic. Identifiers: Orphanet 616, MedGen C0025149, MeSH D008527, MONDO:0007959, OMIM 155255, HP:0002885.
Gorlin syndrome. Also called: Nevoid Basal Cell Carcinoma Syndrome; Basal cell nevus syndrome. Identifiers: Orphanet 377, MedGen C0004779, MONDO:0007187.

Submission:

Labcorp Genetics (formerly Invitae), Labcorp
Classification: Uncertain significance for Gorlin syndrome; Medulloblastoma. Last evaluated: 2023-11-10. Review status: criteria provided, single submitter. Criteria: Invitae Variant Classification Sherloc (09022015). Collection method: clinical testing. Allele origin: germline.
Comment: This sequence change replaces phenylalanine, which is neutral and non-polar, with valine, which is neutral and non-polar, at codon 395 of the SUFU protein (p.Phe395Val). This variant is not present in population databases (gnomAD no frequency). This variant has not been reported in the literature in individuals affected with SUFU-related conditions. Advanced modeling of protein sequence and biophysical properties (such as structural, functional, and spatial information, amino acid conservation, physicochemical variation, residue mobility, and thermodynamic stability) performed at Invitae indicates that this missense variant is expected to disrupt SUFU protein function with a positive predictive value of 80%. In summary, the available evidence is currently insufficient to determine the role of this variant in disease. Therefore, it has been classified as a Variant of Uncertain Significance.